The following is an entry in ClinVar:

ClinVar aggregate classification (germline): Pathogenic (1 of 4 stars; one submission).

Conditions:
Cardiovascular phenotype. Identifiers: MedGen CN230736.

Allele frequency attached by ClinVar (database versions not stated): gnomAD exomes below 0.00001; ExAC 0.00001.
gnomAD v4.1: 1 of 1,613,038 alleles (0.000062%); highest among the groups gnomAD compares: Non-Finnish European, 0.000085%; no homozygotes.

Submission:

Ambry Genetics
Classification: Pathogenic for Cardiovascular phenotype. Last evaluated: 2025-07-24. Review status: criteria provided, single submitter. Criteria: Ambry Variant Classification Scheme 2023. Collection method: clinical testing. Allele origin: germline.
Comment: The p.R18697* pathogenic mutation (also known as c.56089A>T), located in coding exon 153 of the TTN gene, results from an A to T substitution at nucleotide position 56089. This changes the amino acid from an arginine to a stop codon within coding exon 153. This exon is located in the A-band region of the N2-B isoform of the titin protein and is constitutively expressed in TTN transcripts (percent spliced in or PSI 100%). This variant was reported in individual(s) with features consistent with dilated cardiomyopathy (Ambry internal data). This variant is considered to be rare based on population cohorts in the Genome Aggregation Database (gnomAD). This variant is expected to result in loss of function by premature protein truncation or nonsense-mediated mRNA decay. While truncating variants in TTN are present in 1-3% of the general population, truncating variants in the A-band are the most common cause of dilated cardiomyopathy (Herman DS et al. N. Engl. J. Med., 2012 Feb;366:619-28; Roberts AM et al. Sci Transl Med, 2015 Jan;7:270ra6). TTN truncating variants encoded in constitutive exons (PSI >90%) have been found to be significantly associated with DCM regardless of their position in titin (Schafer S et al. Nat. Genet., 2017 01;49:46-53; Akhtar MM et al. Circ Heart Fail, 2020 Oct;13:e006832; Massier M et al. Clin Genet, 2025 Jan). Based on the supporting evidence, this variant is interpreted as a disease-causing mutation.

NM_001267550.2(TTN):c.83284A>T (p.Arg27762Ter)

Genes: TTN (titin; minus strand), TTN-AS1 (TTN antisense RNA 1; plus strand). Cytogenetic location: 2q31.2.
Variant type: single nucleotide variant.
Coding change: c.83284A>T on transcript NM_001267550.2 (MANE Select); coding-DNA position 83284, A replaced by T.
Protein change: p.Arg27762Ter; replaces arginine 27762 with a stop codon.
Molecular consequence: nonsense.
Genome position (GRCh38, 1-based): chr2:178,562,848, T>A on the plus strand (A>T on the coding strand, the complement: TTN is on the minus strand). VCF-style: chr2-178562848-T-A. GRCh37 (hg19) VCF-style: chr2-179427575-T-A.
Other names: c.78361A>T, p.Arg26121Ter (NM_001256850.1); c.56089A>T, p.Arg18697Ter (NM_003319.4); c.75580A>T, p.Arg25194Ter (NM_133378.4); c.56464A>T, p.Arg18822Ter (NM_133432.3); c.56665A>T, p.Arg18889Ter (NM_133437.4); short protein forms R18889*, R18697*, R18822*, R26121*, R25194*, R27762*.
Identifiers: ClinVar variation 2451943 (VCV002451943.3), dbSNP rs781734969, ClinGen allele CA1988946.